The following is an entry in ClinVar:

ClinVar aggregate classification (germline): Conflicting classifications of pathogenicity. Review status: criteria provided, conflicting classifications (1 of 4 stars). 4 submissions from 4 submitters: Uncertain significance (1); Benign (1); Likely benign (2). Last evaluated 2026-06-12.

Allele frequency attached by ClinVar (database versions not stated): ExAC 0.00070; 1000 Genomes Project 30x 0.00109; 1000 Genomes Project 0.00120; gnomAD 0.00157; TOPMed 0.00160; ESP Exome Variant Server 0.00238.
gnomAD v4.1: 724 of 1,603,036 alleles (0.045%); highest among the groups gnomAD compares: African/African-American, 0.47%; 1 homozygote.

Submissions (4):

Women's Health and Genetics/Laboratory Corporation of America, LabCorp
Classification: Likely benign. Last evaluated: 2026-06-12. Review status: criteria provided, single submitter. Criteria: LabCorp Variant Classification Summary - May 2015. Collection method: clinical testing. Allele origin: germline.
Comment: Variant summary: FAT2 c.12725G>A (p.Arg4242His) results in a non-conservative amino acid change in the encoded protein sequence. Algorithms developed to predict the effect of missense changes on protein structure and function are either unavailable or do not agree on the potential impact of this missense change. The variant allele was found at a frequency of 0.00052 in 240872 control chromosomes, predominantly at a frequency of 0.0048 within the African or African-American subpopulation in the gnomAD database. The observed variant frequency within African or African-American control individuals in the gnomAD database exceeds the estimated maximal expected allele frequency for disease-causing variants in FAT2, providing supporting evidence for a benign role. To our knowledge, no occurrence of c.12725G>A in individuals affected with FAT2-related conditions and no experimental evidence demonstrating its impact on protein function have been reported. ClinVar contains an entry for this variant (Variation ID: 2058596). Based on the evidence outlined above, the variant was classified as likely benign.

Labcorp Genetics (formerly Invitae), Labcorp
Classification: Likely benign. Last evaluated: 2025-11-10. Review status: criteria provided, single submitter. Criteria: Invitae Variant Classification Sherloc (09022015). Collection method: clinical testing. Allele origin: germline.

Ambry Genetics
Classification: Uncertain significance. Last evaluated: 2025-10-06. Review status: criteria provided, single submitter. Criteria: Ambry Variant Classification Scheme 2023. Collection method: clinical testing. Allele origin: germline.

CeGaT Center for Human Genetics Tuebingen
Classification: Benign. Last evaluated: 2025-05-01. Review status: criteria provided, single submitter. Criteria: CeGaT Center For Human Genetics Tuebingen Variant Classification Criteria Version 2. Collection method: clinical testing. Allele origin: germline. Affected: yes. Observed: 1 variant allele.
Comment: FAT2: BP4, BS1, BS2

NM_001447.3(FAT2):c.12725G>A (p.Arg4242His)

Genes: FAT2 (FAT atypical cadherin 2; minus strand), SLC36A1 (solute carrier family 36 member 1; plus strand). Cytogenetic location: 5q33.1.
Variant type: single nucleotide variant.
Coding change: c.12725G>A on transcript NM_001447.3 (MANE Select); coding-DNA position 12725, G replaced by A.
Protein change: p.Arg4242His; replaces arginine 4242 with histidine.
Molecular consequence: missense variant.
Genome position (GRCh38, 1-based): chr5:151,505,890, C>T on the plus strand (G>A on the coding strand, the complement: FAT2 is on the minus strand). VCF-style: chr5-151505890-C-T. GRCh37 (hg19) VCF-style: chr5-150885451-C-T.
Other names: c.12725G>A (NM_001447.2); short protein forms R4242H.
Identifiers: ClinVar variation 2058596 (VCV002058596.15), dbSNP rs144888662, ClinGen allele CA3519695.